The following is an entry in ClinVar:

NM_198880.3(QRICH1):c.1964A>G (p.Lys655Arg)

Gene: QRICH1 (glutamine rich 1; minus strand). Cytogenetic location: 3p21.31.
Variant type: single nucleotide variant.
Coding change: c.1964A>G on transcript NM_198880.3 (MANE Select); coding-DNA position 1964, A replaced by G.
Protein change: p.Lys655Arg; replaces lysine 655 with arginine.
Molecular consequence: missense variant.
Genome position (GRCh38, 1-based): chr3:49,032,705, T>C on the plus strand (A>G on the coding strand, the complement: QRICH1 is on the minus strand). VCF-style: chr3-49032705-T-C. GRCh37 (hg19) VCF-style: chr3-49070138-T-C.
Other names: c.1964A>G, p.Lys655Arg (NM_001320580.2, NM_001320581.2, NM_001320582.2 and 4 more transcripts); short protein forms K655R.
Identifiers: ClinVar variation 2653819 (VCV002653819.24), dbSNP rs2471648893, ClinGen allele CA352753149.
Genomic context (GRCh38, chr3:49,032,705, plus strand): 5'-CCAAGGGCCTTCAAGTACCGGATACTCGTGCTTTTATCCTTGGGATTAGAGGGGTTCTTC[T>C]TTGTCTGTCGCAAGACCTTGGAGAAGGCCAGCTTCATGTGCTGGTCCACTGTCTTCAATA-3'
Protein context (NP_942581.1, residues 645-665): LAFSKVLRQT[Lys655Arg]KNPSNPKDKS

ClinVar aggregate classification (germline): Uncertain significance (1 of 4 stars; one submission).

Allele frequency attached by ClinVar (database versions not stated): gnomAD exomes below 0.00001.
gnomAD v4.1: 1 of 1,613,070 alleles (0.000062%); highest among the groups gnomAD compares: Non-Finnish European, 0.000085%; no homozygotes.

Submission:

CeGaT Center for Human Genetics Tuebingen
Classification: Uncertain significance. Last evaluated: 2023-04-01. Review status: criteria provided, single submitter. Criteria: CeGaT Center For Human Genetics Tuebingen Variant Classification Criteria Version 2. Collection method: clinical testing. Allele origin: germline. Affected: yes. Observed: 1 variant allele.
Comment: QRICH1: PM2, PP2